The following is an entry in ClinVar:

ClinVar aggregate classification (germline): Uncertain significance (1 of 4 stars; one submission).

Submission:

Dasa
Classification: Uncertain significance. Last evaluated: 2025-10-28. Review status: criteria provided, single submitter. Criteria: DASA Assertion Criteria. Collection method: clinical testing. Allele origin: germline.
Comment: NM_000276.4(OCRL):c.340G>A (p.Ala114Thr) is a missense variant that results in the substitution of alanine with threonine. This variant is rare in population databases. The currently available literature and clinical evidence are not sufficient to establish a definitive association between this variant and the reported condition. Therefore, this variant is classified as a variant of uncertain significance.

NM_000276.4(OCRL):c.340G>A (p.Ala114Thr)

Gene: OCRL (OCRL inositol polyphosphate-5-phosphatase; plus strand). Cytogenetic location: Xq26.1.
Variant type: single nucleotide variant.
Coding change: c.340G>A on transcript NM_000276.4 (MANE Select); coding-DNA position 340, G replaced by A.
Protein change: p.Ala114Thr; replaces alanine 114 with threonine.
Molecular consequence: missense variant.
Genome position (GRCh38, 1-based): chrX:129,557,426, G>A. VCF-style: chrX-129557426-G-A. GRCh37 (hg19) VCF-style: chrX-128691403-G-A.
Other names: c.343G>A, p.Ala115Thr (NM_001318784.2); c.340G>A, p.Ala114Thr (NM_001587.4); short protein forms A114T, A115T.
Identifiers: ClinVar variation 4885518 (VCV004885518.2).
Genomic context (GRCh38, chrX:129,557,426, plus strand): 5'-CGCCGCTTTGAAATCCCTGATGAGGAACACTGTTTGAAGTTCCTCTCAGCTGTCCTTGCT[G>A]CTCAGAAAGGTAACTAAAGACTCAGCGATTTTCTTTCTTCTATTTCAACGGGAGTGGAAT-3'
Protein context (NP_000267.2, residues 104-124): CLKFLSAVLA[Ala114Thr]QKAQSQLLVP